The following is an entry in ClinVar:

ClinVar aggregate classification (germline): Uncertain significance (1 of 4 stars; one submission).

Submission:

CeGaT Center for Human Genetics Tuebingen
Classification: Uncertain significance. Last evaluated: 2025-09-01. Review status: criteria provided, single submitter. Criteria: CeGaT Center For Human Genetics Tuebingen Variant Classification Criteria Version 2. Collection method: clinical testing. Allele origin: germline. Affected: yes. Observed: 1 variant allele.
Comment: PNPLA8: PM2, PVS1:Moderate, PM3:Supporting

NM_001256007.3(PNPLA8):c.81_84del (p.Lys27fs)

Gene: PNPLA8 (patatin like domain 8, phospholipase A2; minus strand). Cytogenetic location: 7q31.1.
Variant type: Microsatellite.
Coding change: c.81_84del on transcript NM_001256007.3 (MANE Select); coding-DNA positions 81 to 84, 4 bases deleted (GCAA; older notation c.81_84delGCAA).
Protein change: p.Lys27fs; shifts the reading frame from lysine 27.
Molecular consequence: frameshift variant. On other transcripts: 5 prime UTR variant (2).
Genome position (GRCh38, 1-based): chr7:108,515,408-108,515,411, TTGC deleted on the plus strand (GCAA on the coding strand, the reverse complement: PNPLA8 is on the minus strand); deleting any 4 consecutive bases within chr7:108,515,408-108,515,417 gives the same sequence; the c. name uses the placement nearest the transcript's 3' end. VCF-style (leftmost placement, unchanged base first): chr7-108515407-GTTGC-G. GRCh37 (hg19) VCF-style: chr7-108155851-GTTGC-G.
Other names: c.81_84del, p.Lys27fs (NM_001256008.3, NM_001256009.3, NM_015723.5); c.-224GCAA[1] (NM_001256010.3, NM_001256011.3); short protein forms K27fs.
Identifiers: ClinVar variation 4281218 (VCV004281218.7).